The following is an entry in ClinVar:

NC_012920.1(MT-CO2):m.8001A>G

Gene: MT-CO2 (mitochondrially encoded cytochrome c oxidase II; plus strand).
Variant type: single nucleotide variant.
Genome position: chrM-8001-A-G.
Identifiers: ClinVar variation 692806 (VCV000692806.1), dbSNP rs1603221247, ClinGen allele CA414794594.

ClinVar aggregate classification (germline): Uncertain significance (1 of 4 stars; one submission).

Conditions:
Leigh syndrome (NULS). Also called: Leigh's necrotizing encephalopathy; Leigh's disease; Leigh Syndrome (mtDNA deletion); Leigh Disease; Subacute necrotizing encephalopathy; Necrotizing encephalopathy infantile subacute of Leigh. Identifiers: Orphanet 506, MedGen C2931891, MONDO:0009723, OMIM 256000.

Submission:

Wong Mito Lab, Molecular and Human Genetics, Baylor College of Medicine
Classification: Uncertain significance for Leigh syndrome. Last evaluated: 2019-10-17. Review status: criteria provided, single submitter. Criteria: Modified ACMG Guidelines (Unpublished). Collection method: clinical testing. Allele origin: germline.
Comment: The NC_012920.1:m.8001A>G (YP_003024029.1:p.Asp139Gly) variant in MTCO2 gene is interpretated to be a Uncertain Significance variant based on the modified ACMG guidelines (unpublished). This variant meets the following evidence codes: PP7